The following is an entry in ClinVar:

NM_015164.4(PLEKHM2):c.2423C>T (p.Pro808Leu)

Gene: PLEKHM2 (pleckstrin homology and RUN domain containing M2; plus strand). Cytogenetic location: 1p36.21.
Variant type: single nucleotide variant.
Coding change: c.2423C>T on transcript NM_015164.4 (MANE Select); coding-DNA position 2423, C replaced by T.
Protein change: p.Pro808Leu; replaces proline 808 with leucine.
Molecular consequence: missense variant.
Genome position (GRCh38, 1-based): chr1:15,731,215, C>T. VCF-style: chr1-15731215-C-T. GRCh37 (hg19) VCF-style: chr1-16057710-C-T.
Other names: c.2363C>T, p.Pro788Leu (NM_001410755.1); short protein forms P788L, P808L.
Identifiers: ClinVar variation 2169241 (VCV002169241.4), dbSNP rs1473188111, ClinGen allele CA338572669.

ClinVar aggregate classification (germline): Uncertain significance (1 of 4 stars; one submission).

Allele frequency attached by ClinVar (database versions not stated): TOPMed below 0.00001.
gnomAD v4.1: 8 of 1,598,588 alleles (0.0005%); highest among the groups gnomAD compares: Non-Finnish European, 0.0006%; no homozygotes.

Submission:

Labcorp Genetics (formerly Invitae), Labcorp
Classification: Uncertain significance. Last evaluated: 2022-10-25. Review status: criteria provided, single submitter. Criteria: Invitae Variant Classification Sherloc (09022015). Collection method: clinical testing. Allele origin: germline.
Comment: This sequence change replaces proline, which is neutral and non-polar, with leucine, which is neutral and non-polar, at codon 808 of the PLEKHM2 protein (p.Pro808Leu). The frequency data for this variant in the population databases is considered unreliable, as metrics indicate poor data quality at this position in the gnomAD database. This variant has not been reported in the literature in individuals affected with PLEKHM2-related conditions. Algorithms developed to predict the effect of missense changes on protein structure and function are either unavailable or do not agree on the potential impact of this missense change (SIFT: "Tolerated"; PolyPhen-2: "Probably Damaging"; Align-GVGD: "Class C0"). In summary, the available evidence is currently insufficient to determine the role of this variant in disease. Therefore, it has been classified as a Variant of Uncertain Significance.